The following is an entry in ClinVar:

NM_000492.4(CFTR):c.479T>C (p.Ile160Thr)

Gene: CFTR (CF transmembrane conductance regulator; plus strand). Cytogenetic location: 7q31.2.
Variant type: single nucleotide variant.
Coding change: c.479T>C on transcript NM_000492.4 (MANE Select); coding-DNA position 479, T replaced by C.
Protein change: p.Ile160Thr; replaces isoleucine 160 with threonine.
Molecular consequence: missense variant.
Genome position (GRCh38, 1-based): chr7:117,531,104, T>C. VCF-style: chr7-117531104-T-C. GRCh37 (hg19) VCF-style: chr7-117171158-T-C.
Other names: short protein forms I160T.
Identifiers: ClinVar variation 2567867 (VCV002567867.3), dbSNP rs2485009803, ClinGen allele CA368975151.
Genomic context (GRCh38, chr7:117,531,104, plus strand): 5'-CAGCCATTTTTGGCCTTCATCACATTGGAATGCAGATGAGAATAGCTATGTTTAGTTTGA[T>C]TTATAAGAAGGTAATACTTCCTTGCACAGGCCCCATGGCACATATATTCTGTATCGTACA-3'
Protein context (NP_000483.3, residues 150-170): MQMRIAMFSL[Ile160Thr]YKKTLKLSSR

ClinVar aggregate classification (germline): Uncertain significance (1 of 4 stars; one submission).

Conditions:
Cystic fibrosis (CF). Also called: MUCOVISCIDOSIS. Identifiers: Orphanet 586, MedGen C0010674, MONDO:0009061, OMIM 219700. Disease mechanism: loss of function.

Submission:

Ambry Genetics
Classification: Uncertain significance for Cystic fibrosis. Last evaluated: 2025-06-07. Review status: criteria provided, single submitter. Criteria: Ambry Variant Classification Scheme 2023. Collection method: clinical testing. Allele origin: germline.
Comment: The p.I160T variant (also known as c.479T>C), located in coding exon 4 of the CFTR gene, results from a T to C substitution at nucleotide position 479. The isoleucine at codon 160 is replaced by threonine, an amino acid with similar properties. This amino acid position is conserved. In addition, this alteration is predicted to be deleterious by in silico analysis. Since supporting evidence is limited at this time, the clinical significance of this alteration remains unclear.